The following is an entry in ClinVar:

NM_001378183.1(PIEZO2):c.7779+1G>A

Gene: PIEZO2 (piezo type mechanosensitive ion channel component 2; minus strand). Cytogenetic location: 18p11.22.
Variant type: single nucleotide variant.
Coding change: c.7779+1G>A on transcript NM_001378183.1 (MANE Select); the canonical splice donor site of the intron after coding-DNA position 7779, G replaced by A.
Molecular consequence: splice donor variant.
Genome position (GRCh38, 1-based): chr18:10,681,660, C>T on the plus strand (G>A on the coding strand, the complement: PIEZO2 is on the minus strand). VCF-style: chr18-10681660-C-T. GRCh37 (hg19) VCF-style: chr18-10681657-C-T.
Other names: c.7440+1G>A (NM_022068.4); c.7515+1G>A (NM_001410871.1).
Identifiers: ClinVar variation 3607556 (VCV003607556.2).

ClinVar aggregate classification (germline): Likely pathogenic (1 of 4 stars; one submission).

gnomAD v4.1: 23 of 1,577,286 alleles (0.0015%); highest among the groups gnomAD compares: Non-Finnish European, 0.0018%; no homozygotes.

Submission:

Labcorp Genetics (formerly Invitae), Labcorp
Classification: Likely pathogenic. Last evaluated: 2025-06-12. Review status: criteria provided, single submitter. Criteria: Invitae Variant Classification Sherloc (09022015). Collection method: clinical testing. Allele origin: germline.
Comment: This sequence change affects a donor splice site in intron 47 of the PIEZO2 gene. It is expected to disrupt RNA splicing. Variants that disrupt the donor or acceptor splice site typically lead to a loss of protein function (PMID: 16199547), and loss-of-function variants in PIEZO2 are known to be pathogenic (PMID: 27653382, 27843126). This variant is present in population databases (rs777712782, gnomAD 0.004%). This variant has not been reported in the literature in individuals affected with PIEZO2-related conditions. ClinVar contains an entry for this variant (Variation ID: 3607556). Algorithms developed to predict the effect of sequence changes on RNA splicing suggest that this variant may disrupt the consensus splice site. In summary, the currently available evidence indicates that the variant is pathogenic, but additional data are needed to prove that conclusively. Therefore, this variant has been classified as Likely Pathogenic.

Literature cited by the submitters: PubMed 16199547; PubMed 27653382; PubMed 27843126.